The following is an entry in ClinVar:

ClinVar aggregate classification (germline): Uncertain significance. Review status: criteria provided, single submitter (1 of 4 stars). 2 submissions from 2 submitters: Uncertain significance (1). 1 of the submissions does not count toward it. Last evaluated 2025-08-09.

Conditions:
ZFPM2-related disorder. Also called: ZFPM2-related condition.
Inborn genetic diseases. Identifiers: MedGen C0950123, MeSH D030342.

gnomAD v4.1: 34 of 1,612,780 alleles (0.0021%); highest among the groups gnomAD compares: Middle Eastern, 0.017%; no homozygotes.

Submissions (2):

Ambry Genetics
Classification: Uncertain significance for Inborn genetic diseases. Last evaluated: 2025-08-09. Review status: criteria provided, single submitter. Criteria: Ambry Variant Classification Scheme 2023. Collection method: clinical testing. Allele origin: germline.

PreventionGenetics, part of Exact Sciences
Classification: Uncertain significance for ZFPM2-related condition. Last evaluated: 2024-07-03. Review status: no assertion criteria provided. Collection method: clinical testing. Allele origin: germline. Not counted in ClinVar's aggregate classification.
Comment: The ZFPM2 c.2909G>C variant is predicted to result in the amino acid substitution p.Gly970Ala. To our knowledge, this variant has not been reported in the literature. This variant is reported in 0.0066% of alleles in individuals of African descent in gnomAD. At this time, the clinical significance of this variant is uncertain due to the absence of conclusive functional and genetic evidence.

NM_012082.4(ZFPM2):c.2909G>C (p.Gly970Ala)

Genes: ZFPM2 (zinc finger protein, FOG family member 2; plus strand), ZFPM2-AS1 (ZFPM2 antisense RNA 1; minus strand), LOC126860469 (BRD4-independent group 4 enhancer GRCh37_chr8:106814445-106815644; plus strand). Cytogenetic location: 8q23.1.
Variant type: single nucleotide variant.
Coding change: c.2909G>C on transcript NM_012082.4 (MANE Select); coding-DNA position 2909, G replaced by C.
Protein change: p.Gly970Ala; replaces glycine 970 with alanine.
Molecular consequence: missense variant.
Genome position (GRCh38, 1-based): chr8:105,802,991, G>C. VCF-style: chr8-105802991-G-C. GRCh37 (hg19) VCF-style: chr8-106815219-G-C.
Other names: c.2750G>C, p.Gly917Ala (NM_001362836.2); c.2513G>C, p.Gly838Ala (NM_001362837.2); short protein forms G838A, G917A, G970A.
Identifiers: ClinVar variation 3350571 (VCV003350571.2).